The following is an entry in ClinVar:

NM_003816.3(ADAM9):c.997-17C>G

Gene: ADAM9 (ADAM metallopeptidase domain 9; plus strand). Cytogenetic location: 8p11.22.
Variant type: single nucleotide variant.
Coding change: c.997-17C>G on transcript NM_003816.3 (MANE Select); 17 bases into the intron before coding-DNA position 997, C replaced by G.
Molecular consequence: intron variant.
Genome position (GRCh38, 1-based): chr8:39,026,660, C>G. VCF-style: chr8-39026660-C-G. GRCh37 (hg19) VCF-style: chr8-38884179-C-G.
Identifiers: ClinVar variation 2023522 (VCV002023522.4), dbSNP rs2492010821, ClinGen allele CA2580078261.

ClinVar aggregate classification (germline): Uncertain significance (1 of 4 stars; one submission).

Submission:

Labcorp Genetics (formerly Invitae), Labcorp
Classification: Uncertain significance. Last evaluated: 2022-08-10. Review status: criteria provided, single submitter. Criteria: Invitae Variant Classification Sherloc (09022015). Collection method: clinical testing. Allele origin: germline.
Comment: In summary, the available evidence is currently insufficient to determine the role of this variant in disease. Therefore, it has been classified as a Variant of Uncertain Significance. Algorithms developed to predict the effect of sequence changes on RNA splicing suggest that this variant may create or strengthen a splice site. This variant has not been reported in the literature in individuals affected with ADAM9-related conditions. This variant is not present in population databases (gnomAD no frequency). This sequence change falls in intron 10 of the ADAM9 gene. It does not directly change the encoded amino acid sequence of the ADAM9 protein.